The following is an entry in ClinVar:

NM_014915.3(ANKRD26):c.277C>T (p.Pro93Ser)

Gene: ANKRD26 (ankyrin repeat domain 26; minus strand). Cytogenetic location: 10p12.1.
Variant type: single nucleotide variant.
Coding change: c.277C>T on transcript NM_014915.3 (MANE Select); coding-DNA position 277, C replaced by T.
Protein change: p.Pro93Ser; replaces proline 93 with serine.
Molecular consequence: missense variant.
Genome position (GRCh38, 1-based): chr10:27,093,765, G>A on the plus strand (C>T on the coding strand, the complement: ANKRD26 is on the minus strand). VCF-style: chr10-27093765-G-A. GRCh37 (hg19) VCF-style: chr10-27382694-G-A.
Other names: c.277C>T, p.Pro93Ser (NM_001256053.2); short protein forms P93S.
Identifiers: ClinVar variation 4056107 (VCV004056107.3).

ClinVar aggregate classification (germline): Uncertain significance. Review status: criteria provided, multiple submitters, no conflicts (2 of 4 stars). 2 submissions from 2 submitters: Uncertain significance (2). Last evaluated 2025-12-10.

Conditions:
Thrombocytopenia 2 (THC2). Also called: ANKRD26-Related Thrombocytopenia. Identifiers: Orphanet 268322, MedGen C1861185, MONDO:0008555, OMIM 188000.
Inborn genetic diseases. Identifiers: MedGen C0950123, MeSH D030342.

Submissions (2):

Ambry Genetics
Classification: Uncertain significance for Inborn genetic diseases. Last evaluated: 2025-12-10. Review status: criteria provided, single submitter. Criteria: Ambry Variant Classification Scheme 2023. Collection method: clinical testing. Allele origin: germline.
Comment: The p.P93S variant (also known as c.277C>T), located in coding exon 2 of the ANKRD26 gene, results from a C to T substitution at nucleotide position 277. The proline at codon 93 is replaced by serine, an amino acid with similar properties. This amino acid position is conserved. In addition, this alteration is predicted to be tolerated by in silico analysis. Based on the available evidence, the clinical significance of this variant remains unclear.

St. Jude Molecular Pathology, St. Jude Children's Research Hospital
Classification: Uncertain significance for Thrombocytopenia 2. Last evaluated: 2025-06-17. Review status: criteria provided, single submitter. Criteria: St. Jude Assertion Criteria 2020. Collection method: clinical testing. Allele origin: germline.
Comment: The ANKRD26 c.277C>T p.(Pro93Ser) missense change is absent in gnomAD v2.1.1. This variant is not located in the 5' UTR. The in silico tool REVEL predicts a benign effect on protein function, but to our knowledge this prediction has not been confirmed by functional studies. To our knowledge, this variant has not been reported in individuals with ANKRD26-related thrombocytopenia. In summary, the evidence currently available is insufficient to determine the clinical significance of this variant. It has therefore been classified as of uncertain significance.